The following is an entry in ClinVar:

ClinVar aggregate classification (germline): Uncertain significance (1 of 4 stars; one submission).

Conditions:
SIM1-related disorder. Also called: SIM1-related condition; SIM1-related disorders.

Allele frequency attached by ClinVar (database versions not stated): ExAC 0.00003.

Submission:

PreventionGenetics, part of Exact Sciences
Classification: Uncertain significance for SIM1-related condition. Last evaluated: 2026-07-11. Review status: criteria provided, single submitter. Criteria: ACMG Guidelines, 2015. Collection method: clinical testing. Allele origin: germline.
Comment: The SIM1 c.2075C>T variant is predicted to result in the amino acid substitution p.Pro692Leu. This variant has been reported in an individual with severe early-onset obesity, however a functional study of the p.Pro692Leu substitution showed that it resulted in a small reduction of activity (Ramachandrappa et al 2013. PubMed ID: 237781390). This variant is reported in 0.038% of alleles in individuals of East Asian descent in gnomAD, which may be too common to be causative. Although we suspect that this variant may be benign, at this time, the clinical significance of this variant is uncertain due to the absence of conclusive functional and genetic evidence.

NM_005068.3(SIM1):c.2075C>T (p.Pro692Leu)

Gene: SIM1 (SIM bHLH transcription factor 1; minus strand). Cytogenetic location: 6q16.3.
Variant type: single nucleotide variant.
Coding change: c.2075C>T on transcript NM_005068.3 (MANE Select); coding-DNA position 2075, C replaced by T.
Protein change: p.Pro692Leu; replaces proline 692 with leucine.
Molecular consequence: missense variant.
Genome position (GRCh38, 1-based): chr6:100,390,587, G>A on the plus strand (C>T on the coding strand, the complement: SIM1 is on the minus strand). VCF-style: chr6-100390587-G-A. GRCh37 (hg19) VCF-style: chr6-100838463-G-A.
Other names: c.2075C>T, p.Pro692Leu (NM_001374769.1); short protein forms P692L.
Identifiers: ClinVar variation 2633670 (VCV002633670.3), dbSNP rs757043702, ClinGen allele CA3936884.
Genomic context (GRCh38, chr6:100,390,587, plus strand): 5'-GTGTAAGCATGCTTGTCAAAATACTGCCGGTGAGAGCCAAAGCAGTTTGGAGAGACAGTA[G>A]GGTGGTCTCCTGCTGTCTGATGAGGAGATATATCCGAATGCAGATAGTCTTTAGCTAGGA-3'
Protein context (NP_005059.2, residues 682-702): ISPHQTAGDH[Pro692Leu]TVSPNCFGSH